The following is an entry in ClinVar:

NM_001130144.3(LTBP3):c.3628G>C (p.Asp1210His)

Gene: LTBP3 (latent transforming growth factor beta binding protein 3; minus strand). Cytogenetic location: 11q13.1.
Variant type: single nucleotide variant.
Coding change: c.3628G>C on transcript NM_001130144.3 (MANE Select); coding-DNA position 3628, G replaced by C.
Protein change: p.Asp1210His; replaces aspartic acid 1210 with histidine.
Molecular consequence: missense variant.
Genome position (GRCh38, 1-based): chr11:65,539,548, C>G on the plus strand (G>C on the coding strand, the complement: LTBP3 is on the minus strand). VCF-style: chr11-65539548-C-G. GRCh37 (hg19) VCF-style: chr11-65307019-C-G.
Other names: c.3136G>C, p.Asp1046His (NM_001164266.1); c.3487G>C, p.Asp1163His (NM_021070.4); short protein forms D1046H, D1163H, D1210H.
Identifiers: ClinVar variation 1464248 (VCV001464248.7), dbSNP rs777097028, ClinGen allele CA6100226.

ClinVar aggregate classification (germline): Uncertain significance (1 of 4 stars; one submission).

Conditions:
Brachyolmia-amelogenesis imperfecta syndrome. Also called: PLATYSPONDYLY WITH AMELOGENESIS IMPERFECTA; Tooth agenesis, selective, 6; Dental anomalies and short stature. Identifiers: Orphanet 2899, MedGen C1832594, MONDO:0011018, OMIM 601216. Disease mechanism: loss of function.

Allele frequency attached by ClinVar (database versions not stated): TOPMed below 0.00001.
gnomAD v4.1: 193 of 1,612,464 alleles (0.012%); highest among the groups gnomAD compares: South Asian, 0.17%; 6 homozygotes.

Submission:

Labcorp Genetics (formerly Invitae), Labcorp
Classification: Uncertain significance for Brachyolmia-amelogenesis imperfecta syndrome. Last evaluated: 2024-09-27. Review status: criteria provided, single submitter. Criteria: Invitae Variant Classification Sherloc (09022015). Collection method: clinical testing. Allele origin: germline.
Comment: This sequence change replaces aspartic acid, which is acidic and polar, with histidine, which is basic and polar, at codon 1210 of the LTBP3 protein (p.Asp1210His). This variant also falls at the last nucleotide of exon 26, which is part of the consensus splice site for this exon. This variant is present in population databases (rs777097028, gnomAD 0.2%). This variant has not been reported in the literature in individuals affected with LTBP3-related conditions. ClinVar contains an entry for this variant (Variation ID: 1464248). An algorithm developed to predict the effect of missense changes on protein structure and function (PolyPhen-2) suggests that this variant is likely to be disruptive. Variants that disrupt the consensus splice site are a relatively common cause of aberrant splicing (PMID: 17576681, 9536098). In summary, the available evidence is currently insufficient to determine the role of this variant in disease. Therefore, it has been classified as a Variant of Uncertain Significance.

Literature cited by the submitters: PubMed 17576681; PubMed 9536098.